The following is an entry in ClinVar:

NM_006766.5(KAT6A):c.388G>T (p.Asp130Tyr)

Gene: KAT6A (lysine acetyltransferase 6A; minus strand). Cytogenetic location: 8p11.21.
Variant type: single nucleotide variant.
Coding change: c.388G>T on transcript NM_006766.5 (MANE Select); coding-DNA position 388, G replaced by T.
Protein change: p.Asp130Tyr; replaces aspartic acid 130 with tyrosine.
Molecular consequence: missense variant.
Genome position (GRCh38, 1-based): chr8:42,048,590, C>A on the plus strand (G>T on the coding strand, the complement: KAT6A is on the minus strand). VCF-style: chr8-42048590-C-A. GRCh37 (hg19) VCF-style: chr8-41906108-C-A.
Other names: c.388G>T, p.Asp130Tyr (NM_001305878.2); short protein forms D130Y.
Identifiers: ClinVar variation 2880672 (VCV002880672.3), dbSNP rs1330701721, ClinGen allele CA371174776.

ClinVar aggregate classification (germline): Uncertain significance (1 of 4 stars; one submission).

Allele frequency attached by ClinVar (database versions not stated): gnomAD exomes below 0.00001; TOPMed 0.00001.
gnomAD v4.1: 1 of 1,614,206 alleles (0.000062%); highest among the groups gnomAD compares: Non-Finnish European, 0.000085%; no homozygotes.

Submission:

Labcorp Genetics (formerly Invitae), Labcorp
Classification: Uncertain significance. Last evaluated: 2023-12-23. Review status: criteria provided, single submitter. Criteria: Invitae Variant Classification Sherloc (09022015). Collection method: clinical testing. Allele origin: germline.
Comment: This sequence change replaces aspartic acid, which is acidic and polar, with tyrosine, which is neutral and polar, at codon 130 of the KAT6A protein (p.Asp130Tyr). This variant is present in population databases (no rsID available, gnomAD 0.0009%). This variant has not been reported in the literature in individuals affected with KAT6A-related conditions. Advanced modeling of protein sequence and biophysical properties (such as structural, functional, and spatial information, amino acid conservation, physicochemical variation, residue mobility, and thermodynamic stability) performed at Invitae indicates that this missense variant is not expected to disrupt KAT6A protein function with a negative predictive value of 80%. In summary, the available evidence is currently insufficient to determine the role of this variant in disease. Therefore, it has been classified as a Variant of Uncertain Significance.